The following is an entry in ClinVar:

ClinVar aggregate classification (germline): Uncertain significance (1 of 4 stars; one submission).

Submission:

Labcorp Genetics (formerly Invitae), Labcorp
Classification: Uncertain significance. Last evaluated: 2022-09-01. Review status: criteria provided, single submitter. Criteria: Invitae Variant Classification Sherloc (09022015). Collection method: clinical testing. Allele origin: germline.
Comment: This variant results in a copy number gain of the genomic region encompassing exon(s) 2-6 of the SLC12A3 gene. While the exact position of this variant cannot be determined from the data, sub-genic copy number gains are generally in tandem (PMID: 25640679). This variant is predicted to be in-frame, and likely preserves the integrity of the reading frame. This variant has not been reported in the literature in individuals affected with SLC12A3-related conditions. Experimental studies and prediction algorithms are not available or were not evaluated, and the functional significance of this variant is currently unknown. In summary, the available evidence is currently insufficient to determine the role of this variant in disease. Therefore, it has been classified as a Variant of Uncertain Significance.

Literature cited by the submitters: PubMed 25640679.

NC_000016.9:g.(?_56900962)_(56904668_?)dup

Gene: SLC12A3 (solute carrier family 12 member 3; plus strand). Cytogenetic location: 16q13.
Variant type: Duplication.
Identifiers: ClinVar variation 1372800 (VCV001372800.4).